The following is an entry in ClinVar:

NM_006440.5(TXNRD2):c.806C>T (p.Ala269Val)

Gene: TXNRD2 (thioredoxin reductase 2; minus strand). Cytogenetic location: 22q11.21.
Variant type: single nucleotide variant.
Coding change: c.806C>T on transcript NM_006440.5 (MANE Select); coding-DNA position 806, C replaced by T.
Protein change: p.Ala269Val; replaces alanine 269 with valine.
Molecular consequence: missense variant. On other transcripts: non-coding transcript variant (1).
Genome position (GRCh38, 1-based): chr22:19,895,550, G>A on the plus strand (C>T on the coding strand, the complement: TXNRD2 is on the minus strand). VCF-style: chr22-19895550-G-A. GRCh37 (hg19) VCF-style: chr22-19883073-G-A.
Other names: c.806C>T, p.Ala269Val (NM_001282512.3); c.803C>T, p.Ala268Val (NM_001352300.2); c.716C>T, p.Ala239Val (NM_001352301.2); c.518C>T, p.Ala173Val (NM_001352302.2); c.710C>T, p.Ala237Val (NM_001352303.2); short protein forms A237V, A268V, A173V, A239V, A269V.
Identifiers: ClinVar variation 2564285 (VCV002564285.3), dbSNP rs1939468915, ClinGen allele CA410686724.

ClinVar aggregate classification (germline): Uncertain significance (1 of 4 stars; one submission).

Conditions:
Cardiovascular phenotype. Identifiers: MedGen CN230736.

Allele frequency attached by ClinVar (database versions not stated): gnomAD exomes below 0.00001.
gnomAD v4.1: 1 of 1,613,070 alleles (0.000062%); highest among the groups gnomAD compares: Non-Finnish European, 0.000085%; no homozygotes.

Submission:

Ambry Genetics
Classification: Uncertain significance for Cardiovascular phenotype. Last evaluated: 2025-08-28. Review status: criteria provided, single submitter. Criteria: Ambry Variant Classification Scheme 2023. Collection method: clinical testing. Allele origin: germline.
Comment: The p.A269V variant (also known as c.806C>T), located in coding exon 11 of the TXNRD2 gene, results from a C to T substitution at nucleotide position 806. The alanine at codon 269 is replaced by valine, an amino acid with similar properties. This amino acid position is conserved. In addition, this alteration is predicted to be tolerated by in silico analysis. Since supporting evidence is limited at this time, the clinical significance of this alteration remains unclear.